The following is an entry in ClinVar:

NM_000218.3(KCNQ1):c.674C>G (p.Ser225Trp)

Gene: KCNQ1 (potassium voltage-gated channel subfamily Q member 1; plus strand). Cytogenetic location: 11p15.5.
Variant type: single nucleotide variant.
Coding change: c.674C>G on transcript NM_000218.3 (MANE Select); coding-DNA position 674, C replaced by G.
Protein change: p.Ser225Trp; replaces serine 225 with tryptophan.
Molecular consequence: missense variant.
Genome position (GRCh38, 1-based): chr11:2,571,394, C>G. VCF-style: chr11-2571394-C-G. GRCh37 (hg19) VCF-style: chr11-2592624-C-G.
Other names: c.674C>G, p.Ser225Trp (NM_001406836.1); c.404C>G, p.Ser135Trp (NM_001406837.1); c.293C>G, p.Ser98Trp (NM_181798.2); short protein forms S225W, S98W, S135W.
Identifiers: ClinVar variation 1438413 (VCV001438413.9), dbSNP rs199473456, ClinGen allele CA379130699.
Genomic context (GRCh38, chr11:2,571,394, plus strand): 5'-TGGTCGTGGCCTCCATGGTGGTCCTCTGCGTGGGCTCCAAGGGGCAGGTGTTTGCCACGT[C>G]GGCCATCAGGTGCGTCTGTGCCACAAGCTCCCCCCGCCATGCCGCCCCACCCCGAGCACC-3'
Protein context (NP_000209.2, residues 215-235): VGSKGQVFAT[Ser225Trp]AIRGIRFLQI

ClinVar aggregate classification (germline): Likely pathogenic (1 of 4 stars; one submission).

Conditions:
Long QT syndrome (LQTS). Identifiers: MedGen C0023976, MeSH D008133, MONDO:0002442. Disease mechanism: loss of function. Inheritance: Various modes of inheritance.

Submission:

Labcorp Genetics (formerly Invitae), Labcorp
Classification: Likely pathogenic for Long QT syndrome. Last evaluated: 2022-11-29. Review status: criteria provided, single submitter. Criteria: Invitae Variant Classification Sherloc (09022015). Collection method: clinical testing. Allele origin: germline.
Comment: In summary, the currently available evidence indicates that the variant is pathogenic, but additional data are needed to prove that conclusively. Therefore, this variant has been classified as Likely Pathogenic. This variant disrupts the p.Ser225 amino acid residue in KCNQ1. Other variant(s) that disrupt this residue have been determined to be pathogenic (PMID: 10973849, 15840476, 19590188, 19716085, 22456477, 22727609). This suggests that this residue is clinically significant, and that variants that disrupt this residue are likely to be disease-causing. Experimental studies have shown that this missense change affects KCNQ1 function (PMID: 30571187). Advanced modeling of protein sequence and biophysical properties (such as structural, functional, and spatial information, amino acid conservation, physicochemical variation, residue mobility, and thermodynamic stability) performed at Invitae indicates that this missense variant is expected to disrupt KCNQ1 protein function. ClinVar contains an entry for this variant (Variation ID: 1438413). This variant has not been reported in the literature in individuals affected with KCNQ1-related conditions. This variant is not present in population databases (gnomAD no frequency). This sequence change replaces serine, which is neutral and polar, with tryptophan, which is neutral and slightly polar, at codon 225 of the KCNQ1 protein (p.Ser225Trp).

Literature cited by the submitters: PubMed 10973849; PubMed 15840476; PubMed 19590188; PubMed 19716085; PubMed 22456477; PubMed 22727609; PubMed 30571187.